The following is an entry in ClinVar:

NM_017654.4(SAMD9):c.4417C>T (p.Arg1473Cys)

Gene: SAMD9 (sterile alpha motif domain containing 9; minus strand). Cytogenetic location: 7q21.2.
Variant type: single nucleotide variant.
Coding change: c.4417C>T on transcript NM_017654.4 (MANE Select); coding-DNA position 4417, C replaced by T.
Protein change: p.Arg1473Cys; replaces arginine 1473 with cysteine.
Molecular consequence: missense variant.
Genome position (GRCh38, 1-based): chr7:93,101,681, G>A on the plus strand (C>T on the coding strand, the complement: SAMD9 is on the minus strand). VCF-style: chr7-93101681-G-A. GRCh37 (hg19) VCF-style: chr7-92730994-G-A.
Other names: c.4417C>T, p.Arg1473Cys (NM_001193307.2); short protein forms R1473C.
Identifiers: ClinVar variation 1337859 (VCV001337859.13), dbSNP rs145665736, ClinGen allele CA4342553.

ClinVar aggregate classification (germline): Conflicting classifications of pathogenicity. Review status: criteria provided, conflicting classifications (1 of 4 stars). 5 submissions from 5 submitters: Uncertain significance (4); Likely benign (1). Last evaluated 2025-12-01.

Conditions:
Inborn genetic diseases. Identifiers: MedGen C0950123, MeSH D030342.
SAMD9-related disorder. Also called: SAMD9-related condition.

Allele frequency attached by ClinVar (database versions not stated): gnomAD exomes 0.00005 and 0.00007; ExAC 0.00007; gnomAD 0.00020 and 0.00021; TOPMed 0.00022; ESP Exome Variant Server 0.00023; 1000 Genomes Project 0.00060; 1000 Genomes Project 30x 0.00094.
gnomAD v4.1: 109 of 1,613,250 alleles (0.0068%); highest among the groups gnomAD compares: African/African-American, 0.059%; no homozygotes.

Submissions (5):

Labcorp Genetics (formerly Invitae), Labcorp
Classification: Likely benign. Last evaluated: 2025-12-01. Review status: criteria provided, single submitter. Criteria: Invitae Variant Classification Sherloc (09022015). Collection method: clinical testing. Allele origin: germline.

Ambry Genetics
Classification: Uncertain significance for Inborn genetic diseases. Last evaluated: 2025-08-05. Review status: criteria provided, single submitter. Criteria: Ambry Variant Classification Scheme 2023. Collection method: clinical testing. Allele origin: germline.

PreventionGenetics, part of Exact Sciences
Classification: Uncertain significance for SAMD9-related condition. Last evaluated: 2025-03-11. Review status: criteria provided, single submitter. Criteria: ACMG Guidelines, 2015. Collection method: clinical testing. Allele origin: germline.
Comment: The SAMD9 c.4417C>T variant is predicted to result in the amino acid substitution p.Arg1473Cys. To our knowledge, this variant has not been reported in the literature. This variant is reported in 0.080% of alleles in individuals of African descent in gnomAD and has conflicting interpretations regarding its pathogenicity in ClinVar, ranging from likely benign to uncertain. Although we suspect that this variant may be benign, at this time, the clinical significance of this variant is uncertain due to the absence of conclusive functional and genetic evidence.

GeneDx
Classification: Uncertain significance. Last evaluated: 2023-11-25. Review status: criteria provided, single submitter. Criteria: GeneDx Variant Classification Process June 2021. Collection method: clinical testing. Allele origin: germline. Affected: yes.
Comment: In silico analysis supports that this missense variant has a deleterious effect on protein structure/function; Has not been previously published as pathogenic or benign to our knowledge

Genetic Services Laboratory, University of Chicago
Classification: Uncertain significance. Last evaluated: 2021-03-05. Review status: criteria provided, single submitter. Criteria: ACMG Guidelines, 2015. Collection method: clinical testing. Allele origin: germline. Affected: no.
Comment: DNA sequence analysis of the SAMD9 gene demonstrated a sequence change, c.4417C>T, in exon 3 that results in an amino acid change, p.Arg1473Cys. This sequence change has been described in gnomAD with a low population frequency of 0.0088% (dbSNP rs145665736). The p.Arg1473Cys change affects a moderately conserved amino acid residue located in a domain of the SAMD9 protein that is not known to be functional. In-silico pathogenicity prediction tools (SIFT, PolyPhen2, Align GVGD, REVEL) provide contradictory results for the p.Arg1473Cys substitution. This sequence change does not appear to have been previously described in patients with SAMD9-related disorders. Due to the lack of sufficient evidences, the clinical significance of the p.Arg1473Cys change remains unknown at this time.